The following is an entry in ClinVar:

NM_003628.6(PKP4):c.2255G>A (p.Arg752Gln)

Genes: PKP4 (plakophilin 4; plus strand), PKP4-AS1 (PKP4 antisense RNA 1; minus strand). Cytogenetic location: 2q24.1.
Variant type: single nucleotide variant.
Coding change: c.2255G>A on transcript NM_003628.6 (MANE Select); coding-DNA position 2255, G replaced by A.
Protein change: p.Arg752Gln; replaces arginine 752 with glutamine.
Molecular consequence: missense variant.
Genome position (GRCh38, 1-based): chr2:158,662,940, G>A. VCF-style: chr2-158662940-G-A. GRCh37 (hg19) VCF-style: chr2-159519452-G-A.
Other names: c.2255G>A, p.Arg752Gln (NM_001005476.4, NM_001304971.2, NM_001377218.1 and 1 more transcripts); c.2252G>A, p.Arg751Gln (NM_001304969.3, NM_001377219.1, NM_001377220.1 and 2 more transcripts); c.1226G>A, p.Arg409Gln (NM_001304970.3); c.2249G>A, p.Arg750Gln (NM_001377222.1, NM_001377223.1); c.2246G>A, p.Arg749Gln (NM_001377224.1); short protein forms R752Q, R409Q, R749Q, R750Q, R751Q.
Identifiers: ClinVar variation 1788509 (VCV001788509.2), dbSNP rs754397197, ClinGen allele CA1920951.

ClinVar aggregate classification (germline): Uncertain significance (1 of 4 stars; one submission).

Allele frequency attached by ClinVar (database versions not stated): TOPMed below 0.00001; ExAC 0.00001; gnomAD exomes 0.00001.
gnomAD v4.1: 10 of 1,612,972 alleles (0.00062%); highest among the groups gnomAD compares: South Asian, 0.0011%; no homozygotes.

Submission:

Ambry Genetics
Classification: Uncertain significance. Last evaluated: 2022-08-03. Review status: criteria provided, single submitter. Criteria: Ambry Variant Classification Scheme 2023. Collection method: clinical testing. Allele origin: germline.
Comment: The p.R752Q variant (also known as c.2255G>A), located in coding exon 13 of the PKP4 gene, results from a G to A substitution at nucleotide position 2255. The arginine at codon 752 is replaced by glutamine, an amino acid with highly similar properties. This amino acid position is conserved. In addition, this alteration is predicted to be deleterious by in silico analysis. Since supporting evidence is limited at this time, the clinical significance of this alteration remains unclear.